The following is an entry in ClinVar:

NM_002454.3(MTRR):c.1557+1G>C

Gene: MTRR (5-methyltetrahydrofolate-homocysteine methyltransferase reductase; plus strand). Cytogenetic location: 5p15.31.
Variant type: single nucleotide variant.
Coding change: c.1557+1G>C on transcript NM_002454.3 (MANE Select); the canonical splice donor site of the intron after coding-DNA position 1557, G replaced by C.
Molecular consequence: splice donor variant.
Genome position (GRCh38, 1-based): chr5:7,892,914, G>C. VCF-style: chr5-7892914-G-C. GRCh37 (hg19) VCF-style: chr5-7893027-G-C.
Other names: c.1557+1G>C (NM_001364440.2, NM_001364441.2, NM_001364442.2 and 1 more transcripts).
Identifiers: ClinVar variation 3661558 (VCV003661558.2).

ClinVar aggregate classification (germline): Likely pathogenic (1 of 4 stars; one submission).

Conditions:
Methylcobalamin deficiency type cblE (HMAE). Also called: VITAMIN B12-RESPONSIVE HOMOCYSTINURIA, cblE TYPE; HOMOCYSTINURIA-MEGALOBLASTIC ANEMIA, cblE COMPLEMENTATION TYPE; HOMOCYSTINURIA-MEGALOBLASTIC ANEMIA, cblE TYPE. Identifiers: Orphanet 2169, Orphanet 622, MedGen C1856057, MONDO:0009354, OMIM 236270.

Submission:

Labcorp Genetics (formerly Invitae), Labcorp
Classification: Likely pathogenic for Methylcobalamin deficiency type cblE. Last evaluated: 2024-08-06. Review status: criteria provided, single submitter. Criteria: Invitae Variant Classification Sherloc (09022015). Collection method: clinical testing. Allele origin: germline.
Comment: This sequence change affects a donor splice site in intron 11 of the MTRR gene. It is expected to disrupt RNA splicing. Variants that disrupt the donor or acceptor splice site typically lead to a loss of protein function (PMID: 16199547), and loss-of-function variants in MTRR are known to be pathogenic (PMID: 15714522). This variant is not present in population databases (gnomAD no frequency). This variant has not been reported in the literature in individuals affected with MTRR-related conditions. Algorithms developed to predict the effect of sequence changes on RNA splicing suggest that this variant may disrupt the consensus splice site. In summary, the currently available evidence indicates that the variant is pathogenic, but additional data are needed to prove that conclusively. Therefore, this variant has been classified as Likely Pathogenic.

Literature cited by the submitters: PubMed 16199547; PubMed 15714522.